The following is an entry in ClinVar:

NM_033641.4(COL4A6):c.2806C>T (p.Arg936Cys)

Gene: COL4A6 (collagen type IV alpha 6 chain; minus strand). Cytogenetic location: Xq22.3.
Variant type: single nucleotide variant.
Coding change: c.2806C>T on transcript NM_033641.4 (MANE Select); coding-DNA position 2806, C replaced by T.
Protein change: p.Arg936Cys; replaces arginine 936 with cysteine.
Molecular consequence: missense variant.
Genome position (GRCh38, 1-based): chrX:108,175,678, G>A on the plus strand (C>T on the coding strand, the complement: COL4A6 is on the minus strand). VCF-style: chrX-108175678-G-A. GRCh37 (hg19) VCF-style: chrX-107418908-G-A.
Other names: c.2809C>T (NM_001847.2); c.2857C>T, p.Arg953Cys (NM_001287758.2); c.2806C>T, p.Arg936Cys (NM_001287759.2, NM_001287760.2); c.2809C>T, p.Arg937Cys (NM_001847.4); short protein forms R936C, R937C, R953C.
Identifiers: ClinVar variation 1317468 (VCV001317468.8), dbSNP rs774641536, ClinGen allele CA10487568.

ClinVar aggregate classification (germline): Conflicting classifications of pathogenicity. Review status: criteria provided, conflicting classifications (1 of 4 stars). 4 submissions from 4 submitters: Uncertain significance (2); Likely benign (2). Last evaluated 2025-06-12.

Allele frequency attached by ClinVar (database versions not stated): gnomAD exomes 0.00015 and 0.00021; ExAC 0.00016; gnomAD 0.00019 and 0.00021; TOPMed 0.00021.
gnomAD v4.1: 243 of 1,204,055 alleles (0.02%); highest among the groups gnomAD compares: Middle Eastern, 0.069%; no homozygotes.

Submissions (4):

Labcorp Genetics (formerly Invitae), Labcorp
Classification: Uncertain significance. Last evaluated: 2025-06-12. Review status: criteria provided, single submitter. Criteria: Invitae Variant Classification Sherloc (09022015). Collection method: clinical testing. Allele origin: germline.
Comment: This sequence change replaces arginine, which is basic and polar, with cysteine, which is neutral and slightly polar, at codon 937 of the COL4A6 protein (p.Arg937Cys). This variant is present in population databases (rs774641536, gnomAD 0.03%). This variant has not been reported in the literature in individuals affected with COL4A6-related conditions. ClinVar contains an entry for this variant (Variation ID: 1317468). Invitae Evidence Modeling of protein sequence and biophysical properties (such as structural, functional, and spatial information, amino acid conservation, physicochemical variation, residue mobility, and thermodynamic stability) indicates that this missense variant is not expected to disrupt COL4A6 protein function with a negative predictive value of 80%. In summary, the available evidence is currently insufficient to determine the role of this variant in disease. Therefore, it has been classified as a Variant of Uncertain Significance.

Ambry Genetics
Classification: Uncertain significance. Last evaluated: 2024-08-20. Review status: criteria provided, single submitter. Criteria: Ambry Variant Classification Scheme 2023. Collection method: clinical testing. Allele origin: germline.

Blueprint Genetics
Classification: Likely benign. Last evaluated: 2024-02-07. Review status: criteria provided, single submitter. Criteria: ACMG Guidelines, 2015. Collection method: clinical testing. Allele origin: germline.

GeneDx
Classification: Likely benign. Last evaluated: 2020-06-30. Review status: criteria provided, single submitter. Criteria: GeneDx Variant Classification Process June 2021. Collection method: clinical testing. Allele origin: germline. Affected: yes.